The following is an entry in ClinVar:

NM_000321.3(RB1):c.1073G>T (p.Arg358Leu)

Gene: RB1 (RB transcriptional corepressor 1; plus strand). Cytogenetic location: 13q14.2.
Variant type: single nucleotide variant.
Coding change: c.1073G>T on transcript NM_000321.3 (MANE Select); coding-DNA position 1073, G replaced by T.
Protein change: p.Arg358Leu; replaces arginine 358 with leucine.
Molecular consequence: missense variant.
Genome position (GRCh38, 1-based): chr13:48,368,550, G>T. VCF-style: chr13-48368550-G-T. GRCh37 (hg19) VCF-style: chr13-48942686-G-T.
Other names: c.1073G>T, p.Arg358Leu (NM_001407165.1, NM_001407166.1); short protein forms R358L.
Identifiers: ClinVar variation 1784188 (VCV001784188.2), dbSNP rs767011440, ClinGen allele CA388161153.

ClinVar aggregate classification (germline): Uncertain significance (1 of 4 stars; one submission).

Conditions:
Hereditary cancer-predisposing syndrome. Also called: Neoplastic Syndromes, Hereditary; Tumor predisposition; Hereditary Cancer Syndrome; Hereditary neoplastic syndrome. Identifiers: Orphanet 140162, MedGen C0027672, MeSH D009386, MONDO:0015356.

Submission:

Ambry Genetics
Classification: Uncertain significance for Hereditary cancer-predisposing syndrome. Last evaluated: 2020-12-11. Review status: criteria provided, single submitter. Criteria: Ambry Variant Classification Scheme 2023. Collection method: clinical testing. Allele origin: germline.
Comment: The p.R358L variant (also known as c.1073G>T), located in coding exon 11 of the RB1 gene, results from a G to T substitution at nucleotide position 1073. The arginine at codon 358 is replaced by leucine, an amino acid with dissimilar properties. This amino acid position is not well conserved in available vertebrate species. In addition, the in silico prediction for this alteration is inconclusive. Since supporting evidence is limited at this time, the clinical significance of this alteration remains unclear.